The following is an entry in ClinVar:

ClinVar aggregate classification (germline): Uncertain significance (1 of 4 stars; one submission).

Allele frequency attached by ClinVar (database versions not stated): gnomAD exomes below 0.00001; TOPMed below 0.00001; ExAC 0.00001; gnomAD 0.00001.
gnomAD v4.1: 8 of 1,610,038 alleles (0.0005%); highest among the groups gnomAD compares: South Asian, 0.0011%; no homozygotes.

Submission:

Women's Health and Genetics/Laboratory Corporation of America, LabCorp
Classification: Uncertain significance. Last evaluated: 2022-02-01. Review status: criteria provided, single submitter. Criteria: LabCorp Variant Classification Summary - May 2015. Collection method: clinical testing. Allele origin: germline.
Comment: Variant summary: INF2 c.700C>T (p.Arg234X) results in a premature termination codon, predicted to cause a truncation of the encoded protein or absence of the protein due to nonsense mediated decay. Truncation variants in this gene have not been reported by our lab, or in HGMD in association with Charcot-Marie Disease. Additionally, the truncating variants reported in ClinVar by other clinical labs have all been classified as VUS. The variant allele was found at a frequency of 4.1e-06 in 244994 control chromosomes. To our knowledge, no occurrence of c.700C>T in individuals affected with Charcot-Marie Disease, Dominant Intermediate E and no experimental evidence demonstrating its impact on protein function have been reported. No clinical diagnostic laboratories have submitted clinical-significance assessments for this variant to ClinVar after 2014. Based on the evidence outlined above, the variant was classified as VUS.

NM_022489.4(INF2):c.700C>T (p.Arg234Ter)

Gene: INF2 (inverted formin 2; plus strand). Cytogenetic location: 14q32.33.
Variant type: single nucleotide variant.
Coding change: c.700C>T on transcript NM_022489.4 (MANE Select); coding-DNA position 700, C replaced by T.
Protein change: p.Arg234Ter; replaces arginine 234 with a stop codon.
Molecular consequence: nonsense. On other transcripts: missense variant (1).
Genome position (GRCh38, 1-based): chr14:104,703,948, C>T. VCF-style: chr14-104703948-C-T. GRCh37 (hg19) VCF-style: chr14-105170285-C-T.
Other names: c.700C>T, p.Arg234Ter (NM_001031714.4); c.700C>T, p.Arg234Trp (NM_032714.3); short protein forms R234*, R234W.
Identifiers: ClinVar variation 1343703 (VCV001343703.1), dbSNP rs750014286, ClinGen allele CA7372391.